The following is an entry in ClinVar:

NM_004370.6(COL12A1):c.1892-19dup

Gene: COL12A1 (collagen type XII alpha 1 chain; minus strand). Cytogenetic location: 6q13.
Variant type: Duplication.
Coding change: c.1892-19dup on transcript NM_004370.6 (MANE Select); 19 bases into the intron before coding-DNA position 1892, one base duplicated (T; older notation c.1892-19dupT).
Molecular consequence: intron variant.
Genome position (GRCh38, 1-based): chr6:75,181,218, A duplicated on the plus strand (T on the coding strand, the reverse complement: COL12A1 is on the minus strand); the first of 13 consecutive A bases (chr6:75,181,218-75,181,230); duplicating any one gives the same sequence. VCF-style (leftmost placement, unchanged base first): chr6-75181217-T-TA. GRCh37 (hg19) VCF-style: chr6-75890933-T-TA.
Other names: p.?; c.1892-7dupT (NM_004370.5); c.73+21490dup (NM_080645.3); c.1892-7dup (NM_004370.6).
Identifiers: ClinVar variation 1170260 (VCV001170260.23), dbSNP rs11347601, ClinGen allele CA3894104.

ClinVar aggregate classification (germline): Benign/Likely benign. Review status: criteria provided, multiple submitters, no conflicts (2 of 4 stars). 11 submissions from 10 submitters: Benign (6); Likely benign (1). 4 of the submissions do not count toward it. Last evaluated 2026-02-04.

Conditions:
COL12A1-related disorder. Also called: COL12A1-related condition.
Ullrich congenital muscular dystrophy 2 (UCMD2). Identifiers: Orphanet 75840, MedGen C4225314, MONDO:0014654, OMIM 616470.
Bethlem myopathy 2 (BTHLM2). Identifiers: Orphanet 536516, Orphanet 610, MedGen C4225313, MONDO:0034022, OMIM 616471.

Submissions (11):

Labcorp Genetics (formerly Invitae), Labcorp
Classification: Benign for Bethlem myopathy 2; Ullrich congenital muscular dystrophy 2. Last evaluated: 2026-02-04. Review status: criteria provided, single submitter. Criteria: Invitae Variant Classification Sherloc (09022015). Collection method: clinical testing. Allele origin: germline.

Laboratory of Genetics, Children's Clinical University Hospital Latvia
Classification: Benign. Last evaluated: 2025-02-16. Review status: criteria provided, single submitter. Criteria: ACMG Guidelines, 2015. Collection method: clinical testing. Allele origin: germline. Affected: yes.

Blueprint Genetics
Classification: Likely benign. Last evaluated: 2024-11-27. Review status: criteria provided, single submitter. Criteria: ACMG Guidelines, 2015. Collection method: clinical testing. Allele origin: germline.

Mayo Clinic Laboratories, Mayo Clinic
Classification: Benign. Last evaluated: 2022-04-26. Review status: criteria provided, single submitter. Criteria: ACMG Guidelines, 2015. Collection method: clinical testing. Allele origin: germline. Observed: 3,247 variant alleles.

Genome-Nilou Lab
Classification: Benign for Ullrich congenital muscular dystrophy 2. Last evaluated: 2021-07-22. Review status: criteria provided, single submitter. Criteria: ACMG Guidelines, 2015. Collection method: clinical testing. Allele origin: germline. Affected: no.

Genome-Nilou Lab
Classification: Benign for Bethlem myopathy 2. Last evaluated: 2021-07-22. Review status: criteria provided, single submitter. Criteria: ACMG Guidelines, 2015. Collection method: clinical testing. Allele origin: germline. Affected: no.

GeneDx
Classification: Benign. Last evaluated: 2019-08-08. Review status: criteria provided, single submitter. Criteria: GeneDx Variant Classification Process June 2021. Collection method: clinical testing. Allele origin: germline. Affected: yes.

PreventionGenetics, part of Exact Sciences
Classification: Benign for COL12A1-related condition. Last evaluated: 2019-05-24. Review status: no assertion criteria provided. Collection method: clinical testing. Allele origin: germline. Not counted in ClinVar's aggregate classification.
Comment: This variant is classified as benign based on ACMG/AMP sequence variant interpretation guidelines (Richards et al. 2015 PMID: 25741868, with internal and published modifications).

Clinical Genetics DNA and cytogenetics Diagnostics Lab, Erasmus MC, Erasmus Medical Center
Classification: Benign. Review status: no assertion criteria provided. Collection method: clinical testing. Allele origin: germline. Affected: yes. Study: VKGL Data-share Consensus. Not counted in ClinVar's aggregate classification.

Clinical Genetics, Academic Medical Center
Classification: Benign. Review status: no assertion criteria provided. Collection method: clinical testing. Allele origin: germline. Affected: yes. Study: VKGL Data-share Consensus. Not counted in ClinVar's aggregate classification.

Laboratory of Diagnostic Genome Analysis, Leiden University Medical Center (LUMC)
Classification: Likely benign. Review status: no assertion criteria provided. Collection method: clinical testing. Allele origin: germline. Affected: yes. Study: VKGL Data-share Consensus. Not counted in ClinVar's aggregate classification.